The following is an entry in ClinVar:

NM_194318.4(B3GLCT):c.1483C>T (p.Arg495Ter)

Gene: B3GLCT (beta 3-glucosyltransferase; plus strand). Cytogenetic location: 13q12.3.
Variant type: single nucleotide variant.
Coding change: c.1483C>T on transcript NM_194318.4 (MANE Select); coding-DNA position 1483, C replaced by T.
Protein change: p.Arg495Ter; replaces arginine 495 with a stop codon.
Molecular consequence: nonsense.
Genome position (GRCh38, 1-based): chr13:31,329,654, C>T. VCF-style: chr13-31329654-C-T. GRCh37 (hg19) VCF-style: chr13-31903791-C-T.
Other names: short protein forms R495*.
Identifiers: ClinVar variation 1804394 (VCV001804394.1), dbSNP rs770760169, ClinGen allele CA6936940.

ClinVar aggregate classification (germline): Uncertain significance (1 of 4 stars; one submission).

Allele frequency attached by ClinVar (database versions not stated): ExAC 0.00001.
gnomAD v4.1: 5 of 1,614,150 alleles (0.00031%); highest among the groups gnomAD compares: Non-Finnish European, 0.00042%; no homozygotes.

Submission:

GeneDx
Classification: Uncertain significance. Last evaluated: 2022-06-14. Review status: criteria provided, single submitter. Criteria: GeneDx Variant Classification Process June 2021. Collection method: clinical testing. Allele origin: germline. Affected: yes.
Comment: Not observed at significant frequency in large population cohorts (gnomAD); Nonsense variant predicted to result in protein truncation as the last 4 amino acids are lost, although loss-of-function variants have not been reported downstream of this position in the protein; Has not been previously published as pathogenic or benign to our knowledge